The following is an entry in ClinVar:

ClinVar aggregate classification (germline): Conflicting classifications of pathogenicity. Review status: criteria provided, conflicting classifications (1 of 4 stars). 4 submissions from 3 submitters: Uncertain significance (1); Benign (2); Likely benign (1). Last evaluated 2025-12-10.

Conditions:
Autosomal recessive spinocerebellar ataxia 14. Also called: CEREBELLAR ATAXIA, AUTOSOMAL RECESSIVE, SPECTRIN-ASSOCIATED, 1. Identifiers: Orphanet 352403, MedGen C4706415, MONDO:0014159, OMIM 615386.
Spinocerebellar ataxia type 5 (SCA5). Identifiers: Orphanet 98766, MedGen C0752123, MONDO:0010848, OMIM 600224.

Allele frequency attached by ClinVar (database versions not stated): ESP Exome Variant Server 0.00085; gnomAD 0.00107 and 0.00134; ExAC 0.00152; TOPMed 0.00175.

Submissions (4):

Labcorp Genetics (formerly Invitae), Labcorp
Classification: Benign. Last evaluated: 2025-12-10. Review status: criteria provided, single submitter. Criteria: Invitae Variant Classification Sherloc (09022015). Collection method: clinical testing. Allele origin: germline.

Blueprint Genetics
Classification: Likely benign. Last evaluated: 2024-11-22. Review status: criteria provided, single submitter. Criteria: ACMG Guidelines, 2015. Collection method: clinical testing. Allele origin: germline.

Illumina Laboratory Services, Illumina
Classification: Benign for Spinocerebellar ataxia type 5. Last evaluated: 2018-01-13. Review status: criteria provided, single submitter. Criteria: ICSL Variant Classification Criteria 13 December 2019. Collection method: clinical testing. Allele origin: germline.
Comment: This variant was observed in the ICSL laboratory as part of a predisposition screen in an ostensibly healthy population. It had not been previously curated by ICSL or reported in the Human Gene Mutation Database (HGMD: prior to June 1st, 2018), and was therefore a candidate for classification through an automated scoring system. Utilizing variant allele frequency, disease prevalence and penetrance estimates, and inheritance mode, an automated score was calculated to assess if this variant is too frequent to cause the disease. Based on the score and internal cut-off values, a variant classified as benign is not then subjected to further curation. The score for this variant resulted in a classification of benign for this disease.

Illumina Laboratory Services, Illumina
Classification: Uncertain significance for Autosomal recessive spinocerebellar ataxia 14. Last evaluated: 2018-01-13. Review status: criteria provided, single submitter. Criteria: ICSL Variant Classification Criteria 13 December 2019. Collection method: clinical testing. Allele origin: germline.

NM_006946.4(SPTBN2):c.1654-13G>A

Gene: SPTBN2 (spectrin beta, non-erythrocytic 2; minus strand). Cytogenetic location: 11q13.2.
Variant type: single nucleotide variant.
Coding change: c.1654-13G>A on transcript NM_006946.4 (MANE Select); 13 bases into the intron before coding-DNA position 1654, G replaced by A.
Molecular consequence: intron variant.
Genome position (GRCh38, 1-based): chr11:66,705,850, C>T on the plus strand (G>A on the coding strand, the complement: SPTBN2 is on the minus strand). VCF-style: chr11-66705850-C-T. GRCh37 (hg19) VCF-style: chr11-66473321-C-T.
Identifiers: ClinVar variation 305584 (VCV000305584.13), dbSNP rs200980512, ClinGen allele CA6129298.